The following is an entry in ClinVar:

NM_015545.4(PTCD1):c.1282G>A (p.Ala428Thr)

Genes: ATP5MF-PTCD1 (ATP5MF-PTCD1 readthrough; minus strand), PTCD1 (pentatricopeptide repeat domain 1; minus strand). Cytogenetic location: 7q22.1.
Variant type: single nucleotide variant.
Coding change: c.1282G>A on transcript NM_015545.4 (MANE Select); coding-DNA position 1282, G replaced by A.
Protein change: p.Ala428Thr; replaces alanine 428 with threonine.
Molecular consequence: missense variant.
Genome position (GRCh38, 1-based): chr7:99,425,250, C>T on the plus strand (G>A on the coding strand, the complement: PTCD1 is on the minus strand). VCF-style: chr7-99425250-C-T. GRCh37 (hg19) VCF-style: chr7-99022873-C-T.
Other names: c.1429G>A, p.Ala477Thr (NM_001198879.2); short protein forms A428T, A477T.
Identifiers: ClinVar variation 2657721 (VCV002657721.24), dbSNP rs147045279, ClinGen allele CA4364931.
Genomic context (GRCh38, chr7:99,425,250, plus strand): 5'-CGGCCCCGGGGGTCAGGAGGTTGACTTCCAGCTCCACGGGAGGTGGCTTCAGGGCCACTG[C>T]GGTGAGGGCTGCTGTGTGGCTGGGCTCTGCCTTAGTATCCACCTCTGGTTGGGCCTTGCC-3'
Protein context (NP_056360.2, residues 418-438): AEPSHTAALT[Ala428Thr]VALKPPPVEL

ClinVar aggregate classification (germline): Likely benign (1 of 4 stars; one submission).

Allele frequency attached by ClinVar (database versions not stated): ESP Exome Variant Server 0.00115; 1000 Genomes Project 0.00220; 1000 Genomes Project 30x 0.00234.

Submission:

CeGaT Center for Human Genetics Tuebingen
Classification: Likely benign. Last evaluated: 2022-10-01. Review status: criteria provided, single submitter. Criteria: CeGaT Center For Human Genetics Tuebingen Variant Classification Criteria Version 2. Collection method: clinical testing. Allele origin: germline. Affected: yes. Observed: 1 variant allele.
Comment: PTCD1: BP4, BS2